The following is an entry in ClinVar:

ClinVar aggregate classification (germline): Pathogenic/Likely pathogenic. Review status: criteria provided, multiple submitters, no conflicts (2 of 4 stars). 4 submissions from 4 submitters: Pathogenic (1); Likely pathogenic (3). Last evaluated 2025-12-29.

Conditions:
Polycystic kidney disease 4 (PKD4). Also called: POLYCYSTIC KIDNEY AND HEPATIC DISEASE 1; POLYCYSTIC KIDNEY DISEASE, INFANTILE, TYPE I; POLYCYSTIC KIDNEY DISEASE 4 WITH OR WITHOUT POLYCYSTIC LIVER DISEASE; Autosomal Recessive Polycystic Kidney Disease – PKHD1; PKD3. Identifiers: MedGen C4540575, MONDO:0033004, OMIM 263200.
Autosomal recessive polycystic kidney disease (ARPKD). Also called: AR polycystic kidney disease. Identifiers: Orphanet 731, Orphanet 8378, MedGen C0085548, MeSH D017044, MONDO:0009889.

Submissions (4):

Natera, Inc.
Classification: Likely pathogenic for Autosomal recessive polycystic kidney disease. Last evaluated: 2025-12-29. Review status: criteria provided, single submitter. Criteria: Natera Variant Classification Schema (03/2026). Collection method: clinical testing. Allele origin: germline.
Comment: The c.954delG variant in PKHD1 is a frameshift variant predicted to shift the reading frame beginning at codon 319 and leads to a stop codon 25 codons downstream. This variant is expected to result in nonsense mediated decay, truncation, or a dysfunctional protein product. This variant is rare in the general population with a frequency below the threshold expected for the associated phenotype(s). Given the available evidence, this variant is classified as Likely Pathogenic.

Baylor Genetics
Classification: Likely pathogenic for Polycystic kidney disease 4. Last evaluated: 2022-03-02. Review status: criteria provided, single submitter. Criteria: ACMG Guidelines, 2015. Collection method: clinical testing. Allele origin: unknown.

Labcorp Genetics (formerly Invitae), Labcorp
Classification: Pathogenic for Autosomal recessive polycystic kidney disease. Last evaluated: 2022-02-27. Review status: criteria provided, single submitter. Criteria: Invitae Variant Classification Sherloc (09022015). Collection method: clinical testing. Allele origin: germline.
Comment: For these reasons, this variant has been classified as Pathogenic. ClinVar contains an entry for this variant (Variation ID: 846728). This variant has not been reported in the literature in individuals affected with PKHD1-related conditions. This variant is not present in population databases (gnomAD no frequency). This sequence change creates a premature translational stop signal (p.Arg319Glyfs*25) in the PKHD1 gene. It is expected to result in an absent or disrupted protein product. Loss-of-function variants in PKHD1 are known to be pathogenic (PMID: 19940839).

Fulgent Genetics
Classification: Likely pathogenic for Polycystic kidney disease 4. Last evaluated: 2022-02-01. Review status: criteria provided, single submitter. Criteria: ACMG Guidelines, 2015. Collection method: clinical testing. Allele origin: unknown.

Literature cited by the submitters: PubMed 19940839 (cited by Labcorp Genetics (formerly Invitae), Labcorp).

NM_138694.4(PKHD1):c.954del (p.Arg319fs)

Gene: PKHD1 (PKHD1 ciliary IPT domain containing fibrocystin/polyductin; minus strand). Cytogenetic location: 6p12.2.
Variant type: Deletion.
Coding change: c.954del on transcript NM_138694.4 (MANE Select); coding-DNA position 954, one base deleted (G; older notation c.954delG).
Protein change: p.Arg319fs; shifts the reading frame from arginine 319.
Molecular consequence: frameshift variant.
Genome position (GRCh38, 1-based): chr6:52,064,977, C deleted on the plus strand (G on the coding strand, the reverse complement: PKHD1 is on the minus strand). VCF-style (leftmost placement, unchanged base first): chr6-52064976-TC-T. GRCh37 (hg19) VCF-style: chr6-51929774-TC-T.
Other names: c.954del, p.Arg319fs (NM_170724.3); c.954delG (NM_138694.3); short protein forms R319fs.
Identifiers: ClinVar variation 846728 (VCV000846728.11), dbSNP rs1809305398, ClinGen allele CA916082836.